The following is an entry in ClinVar:

NM_001844.5(COL2A1):c.2642C>T (p.Thr881Ile)

Gene: COL2A1 (collagen type II alpha 1 chain; minus strand). Cytogenetic location: 12q13.11.
Variant type: single nucleotide variant.
Coding change: c.2642C>T on transcript NM_001844.5 (MANE Select); coding-DNA position 2642, C replaced by T.
Protein change: p.Thr881Ile; replaces threonine 881 with isoleucine.
Molecular consequence: missense variant.
Genome position (GRCh38, 1-based): chr12:47,980,046, G>A on the plus strand (C>T on the coding strand, the complement: COL2A1 is on the minus strand). VCF-style: chr12-47980046-G-A. GRCh37 (hg19) VCF-style: chr12-48373829-G-A.
Other names: c.2435C>T, p.Thr812Ile (NM_033150.3); short protein forms T881I, T812I.
Identifiers: ClinVar variation 1353004 (VCV001353004.6), dbSNP rs768219590, ClinGen allele CA236522848.

ClinVar aggregate classification (germline): Uncertain significance (1 of 4 stars; one submission).

gnomAD v4.1: 1 of 1,555,156 alleles (0.000064%); highest among the groups gnomAD compares: Non-Finnish European, 0.000087%; no homozygotes.

Submission:

Labcorp Genetics (formerly Invitae), Labcorp
Classification: Uncertain significance. Last evaluated: 2023-11-24. Review status: criteria provided, single submitter. Criteria: Invitae Variant Classification Sherloc (09022015). Collection method: clinical testing. Allele origin: germline.
Comment: This sequence change replaces threonine, which is neutral and polar, with isoleucine, which is neutral and non-polar, at codon 881 of the COL2A1 protein (p.Thr881Ile). This variant is not present in population databases (gnomAD no frequency). This variant has not been reported in the literature in individuals affected with COL2A1-related conditions. ClinVar contains an entry for this variant (Variation ID: 1353004). Advanced modeling of protein sequence and biophysical properties (such as structural, functional, and spatial information, amino acid conservation, physicochemical variation, residue mobility, and thermodynamic stability) performed at Invitae indicates that this missense variant is not expected to disrupt COL2A1 protein function with a negative predictive value of 80%. In summary, the available evidence is currently insufficient to determine the role of this variant in disease. Therefore, it has been classified as a Variant of Uncertain Significance.